The following is an entry in ClinVar:

ClinVar aggregate classification (germline): Uncertain significance. Review status: criteria provided, multiple submitters, no conflicts (2 of 4 stars). 2 submissions from 2 submitters: Uncertain significance (2). Last evaluated 2023-09-08.

Conditions:
Hereditary cancer-predisposing syndrome. Also called: Neoplastic Syndromes, Hereditary; Tumor predisposition; Hereditary neoplastic syndrome; Hereditary Cancer Syndrome. Identifiers: Orphanet 140162, MedGen C0027672, MeSH D009386, MONDO:0015356.
POLD1-related polyposis and colorectal cancer syndrome (CRCS10). Also called: COLORECTAL CANCER, SUSCEPTIBILITY TO, ON CHROMOSOME 19q; Colorectal cancer 10; Colorectal cancer, susceptibility to, 10. Identifiers: Orphanet 220460, MedGen C2675481, MONDO:0012953, OMIM 612591.

Submissions (2):

Labcorp Genetics (formerly Invitae), Labcorp
Classification: Uncertain significance for POLD1-related polyposis and colorectal cancer syndrome. Last evaluated: 2023-09-08. Review status: criteria provided, single submitter. Criteria: Invitae Variant Classification Sherloc (09022015). Collection method: clinical testing. Allele origin: germline.
Comment: In summary, the available evidence is currently insufficient to determine the role of this variant in disease. Therefore, it has been classified as a Variant of Uncertain Significance. Advanced modeling of protein sequence and biophysical properties (such as structural, functional, and spatial information, amino acid conservation, physicochemical variation, residue mobility, and thermodynamic stability) performed at Invitae indicates that this missense variant is not expected to disrupt POLD1 protein function. ClinVar contains an entry for this variant (Variation ID: 1776298). This variant has not been reported in the literature in individuals affected with POLD1-related conditions. This variant is not present in population databases (gnomAD no frequency). This sequence change replaces alanine, which is neutral and non-polar, with serine, which is neutral and polar, at codon 536 of the POLD1 protein (p.Ala536Ser).

Ambry Genetics
Classification: Uncertain significance for Hereditary cancer-predisposing syndrome. Last evaluated: 2021-04-05. Review status: criteria provided, single submitter. Criteria: Ambry Variant Classification Scheme 2023. Collection method: clinical testing. Allele origin: germline.
Comment: The p.A536S variant (also known as c.1606G>T), located in coding exon 12 of the POLD1 gene, results from a G to T substitution at nucleotide position 1606. The alanine at codon 536 is replaced by serine, an amino acid with similar properties. This amino acid position is highly conserved in available vertebrate species. In addition, this alteration is predicted to be tolerated by in silico analysis. Since supporting evidence is limited at this time, the clinical significance of this alteration remains unclear.

NM_002691.4(POLD1):c.1606G>T (p.Ala536Ser)

Gene: POLD1 (DNA polymerase delta 1, catalytic subunit; plus strand). Cytogenetic location: 19q13.33.
Variant type: single nucleotide variant.
Coding change: c.1606G>T on transcript NM_002691.4 (MANE Select); coding-DNA position 1606, G replaced by T.
Protein change: p.Ala536Ser; replaces alanine 536 with serine.
Molecular consequence: missense variant. On other transcripts: non-coding transcript variant (1).
Genome position (GRCh38, 1-based): chr19:50,407,094, G>T. VCF-style: chr19-50407094-G-T. GRCh37 (hg19) VCF-style: chr19-50910351-G-T.
Other names: c.1606G>T, p.Ala536Ser (NM_001256849.1, NM_001308632.1); short protein forms A536S.
Identifiers: ClinVar variation 1776298 (VCV001776298.5), dbSNP rs2514000420, ClinGen allele CA406980960.